The following is an entry in ClinVar:

ClinVar aggregate classification (germline): Uncertain significance. Review status: criteria provided, multiple submitters, no conflicts (2 of 4 stars). 5 submissions from 5 submitters: Uncertain significance (5). Last evaluated 2026-07-09.

Conditions:
COG1 congenital disorder of glycosylation (CDG2G). Also called: CONGENITAL DISORDER OF GLYCOSYLATION, TYPE IIg; CDG IIg; CDGII/COG1 CEREBROCOSTOMANDIBULAR-LIKE SYNDROME. Identifiers: Orphanet 263508, MedGen C2931011, MONDO:0012637, OMIM 611209.

Allele frequency attached by ClinVar (database versions not stated): ESP Exome Variant Server 0.00015; 1000 Genomes Project 30x 0.00016; 1000 Genomes Project 0.00020; gnomAD 0.00021 and 0.00022; TOPMed 0.00021.

Submissions (5):

GeneDx
Classification: Uncertain significance. Last evaluated: 2026-07-09. Review status: criteria provided, single submitter. Criteria: GeneDx Variant Classification Process June 2021. Collection method: clinical testing. Allele origin: germline.
Comment: In silico analysis suggests that this missense variant does not alter protein structure/function; Has not been previously published as pathogenic or benign to our knowledge

Blueprint Genetics
Classification: Uncertain significance. Last evaluated: 2024-11-27. Review status: criteria provided, single submitter. Criteria: ACMG Guidelines, 2015. Collection method: clinical testing. Allele origin: germline.

Labcorp Genetics (formerly Invitae), Labcorp
Classification: Uncertain significance for COG1 congenital disorder of glycosylation. Last evaluated: 2022-09-22. Review status: criteria provided, single submitter. Criteria: Invitae Variant Classification Sherloc (09022015). Collection method: clinical testing. Allele origin: germline.
Comment: This sequence change replaces valine, which is neutral and non-polar, with methionine, which is neutral and non-polar, at codon 373 of the COG1 protein (p.Val373Met). This variant is present in population databases (rs201886877, gnomAD 0.03%). This variant has not been reported in the literature in individuals affected with COG1-related conditions. ClinVar contains an entry for this variant (Variation ID: 218759). Advanced modeling of protein sequence and biophysical properties (such as structural, functional, and spatial information, amino acid conservation, physicochemical variation, residue mobility, and thermodynamic stability) performed at Invitae indicates that this missense variant is expected to disrupt COG1 protein function. In summary, the available evidence is currently insufficient to determine the role of this variant in disease. Therefore, it has been classified as a Variant of Uncertain Significance.

Illumina Laboratory Services, Illumina
Classification: Uncertain significance for COG1 congenital disorder of glycosylation. Last evaluated: 2018-01-12. Review status: criteria provided, single submitter. Criteria: ICSL Variant Classification Criteria 13 December 2019. Collection method: clinical testing. Allele origin: germline.

Genomic Diagnostic Laboratory, Division of Genomic Diagnostics, Children's Hospital of Philadelphia
Classification: Uncertain significance. Last evaluated: 2015-06-17. Review status: criteria provided, single submitter. Criteria: DGD Variant Analysis Guidelines. Collection method: clinical testing. Allele origin: unknown.

NM_018714.3(COG1):c.1117G>A (p.Val373Met)

Genes: COG1 (component of oligomeric golgi complex 1; plus strand), LOC126862634 (CDK7 strongly-dependent group 2 enhancer GRCh37_chr17:71195948-71197147; plus strand). Cytogenetic location: 17q25.1.
Variant type: single nucleotide variant.
Coding change: c.1117G>A on transcript NM_018714.3 (MANE Select); coding-DNA position 1117, G replaced by A.
Protein change: p.Val373Met; replaces valine 373 with methionine.
Molecular consequence: missense variant.
Genome position (GRCh38, 1-based): chr17:73,200,612, G>A. VCF-style: chr17-73200612-G-A. GRCh37 (hg19) VCF-style: chr17-71196751-G-A.
Other names: short protein forms V373M.
Identifiers: ClinVar variation 218759 (VCV000218759.11), dbSNP rs201886877, ClinGen allele CA248961.